The following is an entry in ClinVar:

ClinVar aggregate classification (germline): Pathogenic (1 of 4 stars; one submission).

gnomAD v4.1: 1 of 1,607,122 alleles (0.000062%); highest among the groups gnomAD compares: South Asian, 0.0011%; no homozygotes.

Submission:

Labcorp Genetics (formerly Invitae), Labcorp
Classification: Pathogenic. Last evaluated: 2022-04-13. Review status: criteria provided, single submitter. Criteria: Invitae Variant Classification Sherloc (09022015). Collection method: clinical testing. Allele origin: germline.
Comment: This premature translational stop signal has been observed in individual(s) with clinical features of Gitelman syndrome (PMID: 22009145). For these reasons, this variant has been classified as Pathogenic. This variant is not present in population databases (gnomAD no frequency). This sequence change creates a premature translational stop signal (p.Glu941*) in the SLC12A3 gene. It is expected to result in an absent or disrupted protein product. Loss-of-function variants in SLC12A3 are known to be pathogenic (PMID: 20848653, 22009145, 25841442).

Literature cited by the submitters: PubMed 22009145; PubMed 20848653; PubMed 25841442.

NM_001126108.2(SLC12A3):c.2794G>T (p.Glu932Ter)

Gene: SLC12A3 (solute carrier family 12 member 3; plus strand). Cytogenetic location: 16q13.
Variant type: single nucleotide variant.
Coding change: c.2794G>T on transcript NM_001126108.2 (MANE Select); coding-DNA position 2794, G replaced by T.
Protein change: p.Glu932Ter; replaces glutamic acid 932 with a stop codon.
Molecular consequence: nonsense.
Genome position (GRCh38, 1-based): chr16:56,902,446, G>T. VCF-style: chr16-56902446-G-T. GRCh37 (hg19) VCF-style: chr16-56936358-G-T.
Other names: c.2821G>T, p.Glu941Ter (NM_000339.3); c.2818G>T, p.Glu940Ter (NM_001126107.2); short protein forms E932*, E940*, E941*.
Identifiers: ClinVar variation 1459120 (VCV001459120.6), dbSNP rs1257717478, ClinGen allele CA396001334.